The following is an entry in ClinVar:

ClinVar aggregate classification (germline): Uncertain significance (1 of 4 stars; one submission).

Conditions:
Hereditary cancer-predisposing syndrome. Also called: Hereditary neoplastic syndrome; Neoplastic Syndromes, Hereditary; Tumor predisposition; Hereditary Cancer Syndrome. Identifiers: Orphanet 140162, MedGen C0027672, MeSH D009386, MONDO:0015356.

Allele frequency attached by ClinVar (database versions not stated): gnomAD 0.00001.
gnomAD v4.1: 1 of 1,605,412 alleles (0.000062%); highest among the groups gnomAD compares: East Asian, 0.0022%; no homozygotes.

Submission:

Ambry Genetics
Classification: Uncertain significance for Hereditary cancer-predisposing syndrome. Last evaluated: 2020-01-17. Review status: criteria provided, single submitter. Criteria: Ambry Variant Classification Scheme 2023. Collection method: clinical testing. Allele origin: germline.
Comment: The p.A36E variant (also known as c.107C>A), located in coding exon 1 of the CDKN2A gene, results from a C to A substitution at nucleotide position 107. The alanine at codon 36 is replaced by glutamic acid, an amino acid with dissimilar properties. In addition, the in silico prediction for this alteration is inconclusive. Since supporting evidence is limited at this time, the clinical significance of this alteration remains unclear.

NM_058195.4(CDKN2A):c.107C>A (p.Ala36Glu)

Gene: CDKN2A (cyclin dependent kinase inhibitor 2A; minus strand). Cytogenetic location: 9p21.3.
Variant type: single nucleotide variant.
Coding change: c.107C>A on transcript NM_058195.4 (MANE Plus Clinical); coding-DNA position 107, C replaced by A.
Protein change: p.Ala36Glu; replaces alanine 36 with glutamic acid.
Molecular consequence: missense variant. On other transcripts: intron variant (1).
Genome position (GRCh38, 1-based): chr9:21,994,225, G>T on the plus strand (C>A on the coding strand, the complement: CDKN2A is on the minus strand). VCF-style: chr9-21994225-G-T. GRCh37 (hg19) VCF-style: chr9-21994224-G-T.
Other names: c.-4+596C>A (NM_001363763.2); short protein forms A36E.
Identifiers: ClinVar variation 1785928 (VCV001785928.2), dbSNP rs1396662899, ClinGen allele CA373086931.
Genomic context (GRCh38, chr9:21,994,225, plus strand): 5'-CCTAGACGCTGGCTCCTCAGTAGCATCAGCACGAGGGCCACAGCGGCGGGCGCCCCTGGC[G>T]CTGCCCACTCCCCCGTGAGCCGCGGGATGTGAACCACGAAAACCCTCACTCGCGGCGGGC-3'
Protein context (NP_478102.2, residues 26-46): HIPRLTGEWA[Ala36Glu]PGAPAAVALV